The following is an entry in ClinVar:

ClinVar aggregate classification (germline): Likely benign (1 of 4 stars; one submission).

Allele frequency attached by ClinVar (database versions not stated): gnomAD exomes 0.00004; ExAC 0.00018; ESP Exome Variant Server 0.00046; 1000 Genomes Project 30x 0.00047; gnomAD 0.00052; 1000 Genomes Project 0.00060; TOPMed 0.00061.
gnomAD v4.1: 144 of 1,612,694 alleles (0.0089%); highest among the groups gnomAD compares: African/African-American, 0.17%; no homozygotes.

Submission:

CeGaT Center for Human Genetics Tuebingen
Classification: Likely benign. Last evaluated: 2023-07-01. Review status: criteria provided, single submitter. Criteria: CeGaT Center For Human Genetics Tuebingen Variant Classification Criteria Version 2. Collection method: clinical testing. Allele origin: germline. Affected: yes. Observed: 1 variant allele.
Comment: ATN1: BP4, BS1

NM_001940.4(ATN1):c.3510G>A (p.Val1170=)

Gene: ATN1 (atrophin 1; plus strand). Cytogenetic location: 12p13.31.
Variant type: single nucleotide variant.
Coding change: c.3510G>A on transcript NM_001940.4 (MANE Select); coding-DNA position 3510, G replaced by A.
Protein change: p.Val1170=; no amino-acid change (valine 1170 retained).
Molecular consequence: synonymous variant.
Genome position (GRCh38, 1-based): chr12:6,941,525, G>A. VCF-style: chr12-6941525-G-A. GRCh37 (hg19) VCF-style: chr12-7050688-G-A.
Other names: c.3510G>A, p.Val1170= (NM_001007026.2, NM_001424176.1, NM_001424177.1 and 1 more transcripts); c.3507G>A, p.Val1169= (NM_001424179.1, NM_001424180.1); c.3489G>A, p.Val1163= (NM_001424181.1); c.3486G>A, p.Val1162= (NM_001424182.1).
Identifiers: ClinVar variation 2642661 (VCV002642661.24), dbSNP rs149355683, ClinGen allele CA6421030.